The following is an entry in ClinVar:

ClinVar aggregate classification (germline): Likely pathogenic (1 of 4 stars; one submission).

Conditions:
MYO5B-related disorder. Also called: MYO5B-related condition.

Submission:

PreventionGenetics, part of Exact Sciences
Classification: Likely pathogenic for MYO5B-related condition. Last evaluated: 2024-10-16. Review status: criteria provided, single submitter. Criteria: ACMG Guidelines, 2015. Collection method: clinical testing. Allele origin: germline.
Comment: The MYO5B c.3256delG variant is predicted to result in a frameshift and premature protein termination (p.Asp1086Metfs*3). To our knowledge, this variant has not been reported in the literature. This variant is reported in 0.0099% of alleles in individuals of Ashkenazi Jewish descent in gnomAD. Frameshift variants in MYO5B are expected to be pathogenic. This variant is interpreted as likely pathogenic.

NM_001080467.3(MYO5B):c.3256del (p.Asp1086fs)

Gene: MYO5B (myosin VB; minus strand). Cytogenetic location: 18q21.1.
Variant type: Deletion.
Coding change: c.3256del on transcript NM_001080467.3 (MANE Select); coding-DNA position 3256, one base deleted (G; older notation c.3256delG).
Protein change: p.Asp1086fs; shifts the reading frame from aspartic acid 1086.
Molecular consequence: frameshift variant.
Genome position (GRCh38, 1-based): chr18:49,878,965, C deleted on the plus strand (G on the coding strand, the reverse complement: MYO5B is on the minus strand); the first of 3 consecutive C bases (chr18:49,878,965-49,878,967); deleting any one gives the same sequence. VCF-style (leftmost placement, unchanged base first): chr18-49878964-TC-T. GRCh37 (hg19) VCF-style: chr18-47405334-TC-T.
Other names: short protein forms D1086fs.
Identifiers: ClinVar variation 4997806 (VCV004997806.1).
Genomic context (GRCh38, chr18:49,878,964, plus strand): 5'-CAGGGACCTGTGCCATGGCACAGCAGAAGCACCCCCCTTGCCTTTATGATGGTCATTTCA[TC>T]CCGAAGGTTGTCGTATCTCTGCTCCAACTGTGAATATTCCTTCACAAGGTTCTGGTACCG-3'